The following is an entry in ClinVar:

NM_004380.3(CREBBP):c.2322del (p.Asn774fs)

Gene: CREBBP (CREB binding lysine acetyltransferase; minus strand). Cytogenetic location: 16p13.3.
Variant type: Deletion.
Coding change: c.2322del on transcript NM_004380.3 (MANE Select); coding-DNA position 2322, one base deleted (C; older notation c.2322delC).
Protein change: p.Asn774fs; shifts the reading frame from asparagine 774.
Molecular consequence: frameshift variant.
Genome position (GRCh38, 1-based): chr16:3,773,892, G deleted on the plus strand (C on the coding strand, the reverse complement: CREBBP is on the minus strand). VCF-style (leftmost placement, unchanged base first): chr16-3773891-TG-T. GRCh37 (hg19) VCF-style: chr16-3823892-TG-T.
Other names: c.2322delC (NM_004380.2); c.2208del, p.Asn736fs (NM_001079846.1); short protein forms N736fs, N774fs.
Identifiers: ClinVar variation 658712 (VCV000658712.6), dbSNP rs1596895545, ClinGen allele CA915949097.

ClinVar aggregate classification (germline): Pathogenic (1 of 4 stars; one submission).

Conditions:
Rubinstein-Taybi syndrome (RSTS). Identifiers: Orphanet 783, MedGen C0035934, MONDO:0019188.

Submission:

Labcorp Genetics (formerly Invitae), Labcorp
Classification: Pathogenic for Rubinstein-Taybi syndrome. Last evaluated: 2018-09-04. Review status: criteria provided, single submitter. Criteria: Invitae Variant Classification Sherloc (09022015). Collection method: clinical testing. Allele origin: germline.
Comment: This variant has not been reported in the literature in individuals with CREBBP-related disease. Loss-of-function variants in CREBBP are known to be pathogenic (PMID: 17052327, 18792986). This sequence change creates a premature translational stop signal (p.Asn774Lysfs*2) in the CREBBP gene. It is expected to result in an absent or disrupted protein product. This variant is not present in population databases (ExAC no frequency). For these reasons, this variant has been classified as Pathogenic.

Literature cited by the submitters: PubMed 17052327; PubMed 18792986.